The following is an entry in ClinVar:

ClinVar aggregate classification (germline): Pathogenic. Review status: no assertion criteria provided (0 of 4 stars). 2 submissions from 2 submitters: Pathogenic (2). Last evaluated 2023-12-21.

Conditions:
GJA1-related disorder. Also called: GJA1-related condition.
Oculodentodigital dysplasia (ODDD). Also called: ODD SYNDROME; Oculodentodigital syndrome. Identifiers: Orphanet 2710, MedGen C0812437, MONDO:0008111, OMIM 164200.

Submissions (2):

PreventionGenetics, part of Exact Sciences
Classification: Pathogenic for GJA1-related condition. Last evaluated: 2023-12-21. Review status: no assertion criteria provided. Collection method: clinical testing. Allele origin: germline.
Comment: The GJA1 c.689_690delAT variant is predicted to result in a frameshift and premature protein termination (p.Tyr230Cysfs*7). This variant was reported in two patients with Oculodentodigital dysplasia (Vreeburg et al. 2007. PubMed ID: 17256797, Alao et al. 2010. PubMed ID: 19808103). In one case, parental testing suggested that the variant occurred de novo (Vreeburg et al. 2007. PubMed ID: 17256797). This variant has not been reported in a large population database, indicating this variant is rare. Frameshift variants in GJA1 are expected to be pathogenic. This variant is interpreted as pathogenic.

OMIM
Classification: Pathogenic for OCULODENTODIGITAL DYSPLASIA. Last evaluated: 2007-02-15. Review status: no assertion criteria provided. Collection method: literature only. Allele origin: germline.

Literature cited by the submitters: PubMed 17256797 (cited by OMIM); PubMed 15551259 (cited by OMIM).

NM_000165.5(GJA1):c.689_690del (p.Tyr230fs)

Gene: GJA1 (gap junction protein alpha 1; plus strand). Cytogenetic location: 6q22.31.
Variant type: Deletion.
Coding change: c.689_690del on transcript NM_000165.5 (MANE Select); coding-DNA positions 689 to 690, 2 bases deleted (AT; older notation c.689_690delAT).
Protein change: p.Tyr230fs; shifts the reading frame from tyrosine 230.
Molecular consequence: frameshift variant.
Genome position (GRCh38, 1-based): chr6:121,447,536-121,447,537, AT deleted; deleting any 2 consecutive bases within chr6:121,447,535-121,447,537 gives the same sequence; the c. name uses the placement nearest the transcript's 3' end. VCF-style (leftmost placement, unchanged base first): chr6-121447534-CTA-C. GRCh37 (hg19) VCF-style: chr6-121768680-CTA-C.
Other names: short protein forms Y230fs.
Identifiers: ClinVar variation 16994 (VCV000016994.3), dbSNP rs1582558514, ClinGen allele CA913184963.